The following is an entry in ClinVar:

ClinVar aggregate classification (germline): Pathogenic. Review status: criteria provided, multiple submitters, no conflicts (2 of 4 stars). 3 submissions from 3 submitters: Pathogenic (2). 1 of the submissions does not count toward it. Last evaluated 2023-12-03.

Conditions:
Inborn genetic diseases. Identifiers: MedGen C0950123, MeSH D030342.
Roberts-SC phocomelia syndrome (RBS). Also called: Pseudothalidomide syndrome; Appelt-Gerken-Lenz syndrome; ESCO2 Spectrum Disorder; Hypomelia hypotrichosis facial hemangioma syndrome; LONG BONE DEFICIENCIES ASSOCIATED WITH CLEFT LIP-PALATE. Identifiers: Orphanet 3103, MedGen C0392475, MONDO:0100253, OMIM 268300.

Submissions (3):

Labcorp Genetics (formerly Invitae), Labcorp
Classification: Pathogenic. Last evaluated: 2023-12-03. Review status: criteria provided, single submitter. Criteria: Invitae Variant Classification Sherloc (09022015). Collection method: clinical testing. Allele origin: germline.
Comment: This sequence change creates a premature translational stop signal (p.Val56Lysfs*7) in the ESCO2 gene. It is expected to result in an absent or disrupted protein product. Loss-of-function variants in ESCO2 are known to be pathogenic (PMID: 15821733, 16380922). This variant is present in population databases (rs750842366, gnomAD 0.04%). This variant has not been reported in the literature in individuals affected with ESCO2-related conditions. ClinVar contains an entry for this variant (Variation ID: 1071994). For these reasons, this variant has been classified as Pathogenic.

Ambry Genetics
Classification: Pathogenic for Inborn genetic diseases. Last evaluated: 2022-02-10. Review status: criteria provided, single submitter. Criteria: Ambry Variant Classification Scheme 2023. Collection method: clinical testing. Allele origin: germline.
Comment: The c.166_170delGTTTT (p.V56Kfs*7) alteration, located in exon 3 (coding exon 2) of the ESCO2 gene, consists of a deletion of 5 nucleotides from position 166 to 170, causing a translational frameshift with a predicted alternate stop codon after 7 amino acids. This alteration is expected to result in loss of function by premature protein truncation or nonsense-mediated mRNA decay. Based on data from gnomAD, this alteration has an overall frequency of <0.01% (11/279606) total alleles studied. The highest observed frequency was 0.04% (10/24776) of African alleles. Based on the available evidence, this alteration is classified as pathogenic.

Natera, Inc.
Classification: Pathogenic for Roberts syndrome. Last evaluated: 2020-04-12. Review status: no assertion criteria provided. Collection method: clinical testing. Allele origin: germline. Not counted in ClinVar's aggregate classification.

Literature cited by the submitters: PubMed 15821733 (cited by Labcorp Genetics (formerly Invitae), Labcorp); PubMed 16380922 (cited by Labcorp Genetics (formerly Invitae), Labcorp); PubMed 20101700 (cited by Ambry Genetics).

NM_001017420.3(ESCO2):c.166_170del (p.Val56fs)

Gene: ESCO2 (establishment of sister chromatid cohesion N-acetyltransferase 2; plus strand). Cytogenetic location: 8p21.1.
Variant type: Deletion.
Coding change: c.166_170del on transcript NM_001017420.3 (MANE Select); coding-DNA positions 166 to 170, 5 bases deleted (GTTTT; older notation c.166_170delGTTTT).
Protein change: p.Val56fs; shifts the reading frame from valine 56.
Molecular consequence: frameshift variant.
Genome position (GRCh38, 1-based): chr8:27,776,474-27,776,478, GTTTT deleted; deleting any 5 consecutive bases within chr8:27,776,470-27,776,478 gives the same sequence; the c. name uses the placement nearest the transcript's 3' end. VCF-style (leftmost placement, unchanged base first): chr8-27776469-ATTTTG-A. GRCh37 (hg19) VCF-style: chr8-27633986-ATTTTG-A.
Other names: c.166_170delGTTTT (NM_001017420.2); short protein forms V56fs.
Identifiers: ClinVar variation 1071994 (VCV001071994.8), dbSNP rs750842366, ClinGen allele CA4692008.